The following is an entry in ClinVar:

ClinVar aggregate classification (germline): Uncertain significance (1 of 4 stars; one submission).

gnomAD v4.1: 2 of 1,480,530 alleles (0.00014%); highest among the groups gnomAD compares: Non-Finnish European, 0.00018%; no homozygotes.

Submission:

Labcorp Genetics (formerly Invitae), Labcorp
Classification: Uncertain significance. Last evaluated: 2025-10-08. Review status: criteria provided, single submitter. Criteria: Invitae Variant Classification Sherloc (09022015). Collection method: clinical testing. Allele origin: germline.
Comment: This sequence change replaces glycine, which is neutral and non-polar, with serine, which is neutral and polar, at codon 167 of the HES7 protein (p.Gly167Ser). This variant is not present in population databases (gnomAD no frequency). This variant has not been reported in the literature in individuals affected with HES7-related conditions. An algorithm developed to predict the effect of missense changes on protein structure and function (PolyPhen-2) suggests that this variant is likely to be tolerated. In summary, the available evidence is currently insufficient to determine the role of this variant in disease. Therefore, it has been classified as a Variant of Uncertain Significance.

NM_001165967.2(HES7):c.514G>A (p.Gly172Ser)

Genes: HES7 (hes family bHLH transcription factor 7; minus strand), LOC130060203 (ATAC-STARR-seq lymphoblastoid silent region 8155; plus strand). Cytogenetic location: 17p13.1.
Variant type: single nucleotide variant.
Coding change: c.514G>A on transcript NM_001165967.2 (MANE Select); coding-DNA position 514, G replaced by A.
Protein change: p.Gly172Ser; replaces glycine 172 with serine.
Molecular consequence: missense variant.
Genome position (GRCh38, 1-based): chr17:8,121,750, C>T on the plus strand (G>A on the coding strand, the complement: HES7 is on the minus strand). VCF-style: chr17-8121750-C-T. GRCh37 (hg19) VCF-style: chr17-8025068-C-T.
Other names: c.499G>A, p.Gly167Ser (NM_032580.4); short protein forms G167S, G172S.
Identifiers: ClinVar variation 4696084 (VCV004696084.1).